The following is an entry in ClinVar:

ClinVar aggregate classification (germline): Likely pathogenic (1 of 4 stars; one submission).

Conditions:
Hereditary cancer-predisposing syndrome. Also called: Tumor predisposition; Hereditary Cancer Syndrome; Neoplastic Syndromes, Hereditary; Hereditary neoplastic syndrome. Identifiers: Orphanet 140162, MedGen C0027672, MeSH D009386, MONDO:0015356.

Submission:

Ambry Genetics
Classification: Likely pathogenic for Hereditary cancer-predisposing syndrome. Last evaluated: 2020-09-23. Review status: criteria provided, single submitter. Criteria: Ambry Variant Classification Scheme 2023. Collection method: clinical testing. Allele origin: germline.
Comment: The c.261-2delA intronic variant results from a deletion of one nucleotide before coding exon 2 of the MSH6 gene. This variant was not reported in population-based cohorts in the Genome Aggregation Database (gnomAD). In silico splice site analysis predicts that this alteration will weaken the native splice acceptor site and will result in the creation or strengthening of a novel splice acceptor site; however, direct evidence is insufficient at this time (Ambry internal data). Alterations that disrupt the canonical splice site are expected to cause aberrant splicing, resulting in an abnormal protein or a transcript that is subject to nonsense-mediated mRNA decay. As such, this alteration is classified as likely pathogenic.

NM_000179.3(MSH6):c.261-2del

Gene: MSH6 (mutS homolog 6; plus strand). Cytogenetic location: 2p16.3.
Variant type: Deletion.
Coding change: c.261-2del on transcript NM_000179.3 (MANE Select); the canonical splice acceptor site of the intron before coding-DNA position 261, one base deleted (A; older notation c.261-2delA).
Molecular consequence: splice acceptor variant. On other transcripts: intron variant (5), 5 prime UTR variant (1).
Genome position (GRCh38, 1-based): chr2:47,790,925, A deleted. VCF-style (leftmost placement, unchanged base first): chr2-47790924-CA-C. GRCh37 (hg19) VCF-style: chr2-48018063-CA-C.
Other names: c.-68-4969del (NM_001406799.1, NM_001406806.1); c.-280+7432del (NM_001406816.1); c.-279-7686del (NM_001406815.1); c.-37-2del (NM_001406821.1, NM_001406828.1, NM_001406818.1 and 9 more transcripts); c.183-2del (NM_001406804.1); c.237+7455del (NM_001281492.2); c.93-2del (NM_001406826.1); c.-39del (NM_001406830.1); and 7 more.
Identifiers: ClinVar variation 1793816 (VCV001793816.2), dbSNP rs2530431138, ClinGen allele CA2580066784.